The following is an entry in ClinVar:

NM_004260.4(RECQL4):c.1649C>G (p.Ala550Gly)

Gene: RECQL4 (RecQ like helicase 4; minus strand). Cytogenetic location: 8q24.3.
Variant type: single nucleotide variant.
Coding change: c.1649C>G on transcript NM_004260.4 (MANE Select); coding-DNA position 1649, C replaced by G.
Protein change: p.Ala550Gly; replaces alanine 550 with glycine.
Molecular consequence: missense variant.
Genome position (GRCh38, 1-based): chr8:144,514,497, G>C on the plus strand (C>G on the coding strand, the complement: RECQL4 is on the minus strand). VCF-style: chr8-144514497-G-C. GRCh37 (hg19) VCF-style: chr8-145739881-G-C.
Other names: short protein forms A550G.
Identifiers: ClinVar variation 657982 (VCV000657982.8), dbSNP rs764297840, ClinGen allele CA372682990.

ClinVar aggregate classification (germline): Conflicting classifications of pathogenicity. Review status: criteria provided, conflicting classifications (1 of 4 stars). 2 submissions from 2 submitters: Uncertain significance (1); Likely benign (1). Last evaluated 2025-07-16.

Conditions:
Baller-Gerold syndrome (BGS). Also called: CRANIOSYNOSTOSIS WITH RADIAL DEFECTS. Identifiers: Orphanet 1225, MedGen C0265308, MONDO:0009039, OMIM 218600.

Submissions (2):

Labcorp Genetics (formerly Invitae), Labcorp
Classification: Uncertain significance for Baller-Gerold syndrome. Last evaluated: 2025-07-16. Review status: criteria provided, single submitter. Criteria: Invitae Variant Classification Sherloc (09022015). Collection method: clinical testing. Allele origin: germline.
Comment: This sequence change replaces alanine, which is neutral and non-polar, with glycine, which is neutral and non-polar, at codon 550 of the RECQL4 protein (p.Ala550Gly). This variant is present in population databases (no rsID available, gnomAD 0.04%). This variant has not been reported in the literature in individuals affected with RECQL4-related conditions. ClinVar contains an entry for this variant (Variation ID: 657982). Invitae Evidence Modeling of protein sequence and biophysical properties (such as structural, functional, and spatial information, amino acid conservation, physicochemical variation, residue mobility, and thermodynamic stability) indicates that this missense variant is not expected to disrupt RECQL4 protein function with a negative predictive value of 80%. In summary, the available evidence is currently insufficient to determine the role of this variant in disease. Therefore, it has been classified as a Variant of Uncertain Significance.

Blueprint Genetics
Classification: Likely benign. Last evaluated: 2022-08-25. Review status: criteria provided, single submitter. Criteria: ACMG Guidelines, 2015. Collection method: clinical testing. Allele origin: germline.